The following is an entry in ClinVar:

ClinVar aggregate classification (germline): Likely benign. Review status: criteria provided, multiple submitters, no conflicts (2 of 4 stars). 3 submissions from 3 submitters: Likely benign (2). 1 of the submissions does not count toward it. Last evaluated 2026-07-18.

Conditions:
Hereditary cancer-predisposing syndrome. Also called: Tumor predisposition; Hereditary Cancer Syndrome; Neoplastic Syndromes, Hereditary; Hereditary neoplastic syndrome. Identifiers: Orphanet 140162, MedGen C0027672, MeSH D009386, MONDO:0015356.
MSH3-related disorder. Also called: MSH3-related condition.

Submissions (3):

Ambry Genetics
Classification: Likely benign for Hereditary cancer-predisposing syndrome. Last evaluated: 2026-07-18. Review status: criteria provided, single submitter. Criteria: Ambry Variant Classification Scheme 2023. Collection method: clinical testing. Allele origin: germline.

Labcorp Genetics (formerly Invitae), Labcorp
Classification: Likely benign. Last evaluated: 2024-04-06. Review status: criteria provided, single submitter. Criteria: Invitae Variant Classification Sherloc (09022015). Collection method: clinical testing. Allele origin: germline.

PreventionGenetics, part of Exact Sciences
Classification: Likely benign for MSH3-related condition. Last evaluated: 2024-01-04. Review status: no assertion criteria provided. Collection method: clinical testing. Allele origin: germline. Not counted in ClinVar's aggregate classification.
Comment: This variant is classified as likely benign based on ACMG/AMP sequence variant interpretation guidelines (Richards et al. 2015 PMID: 25741868, with internal and published modifications).

NM_002439.5(MSH3):c.1956T>C (p.Phe652=)

Gene: MSH3 (mutS homolog 3; plus strand). Cytogenetic location: 5q14.1.
Variant type: single nucleotide variant.
Coding change: c.1956T>C on transcript NM_002439.5 (MANE Select); coding-DNA position 1956, T replaced by C.
Protein change: p.Phe652=; no amino-acid change (phenylalanine 652 retained).
Molecular consequence: synonymous variant.
Genome position (GRCh38, 1-based): chr5:80,767,992, T>C. VCF-style: chr5-80767992-T-C. GRCh37 (hg19) VCF-style: chr5-80063811-T-C.
Other names: c.1956T>C (NM_002439.3).
Identifiers: ClinVar variation 3045488 (VCV003045488.5), dbSNP rs2546773593, ClinGen allele CA445162924.